The following is an entry in ClinVar:

NM_001374736.1(DST):c.3184A>G (p.Met1062Val)

Gene: DST (dystonin; minus strand). Cytogenetic location: 6p12.1.
Variant type: single nucleotide variant.
Coding change: c.3184A>G on transcript NM_001374736.1 (MANE Select); coding-DNA position 3184, A replaced by G.
Protein change: p.Met1062Val; replaces methionine 1062 with valine.
Molecular consequence: missense variant.
Genome position (GRCh38, 1-based): chr6:56,635,591, T>C on the plus strand (A>G on the coding strand, the complement: DST is on the minus strand). VCF-style: chr6-56635591-T-C. GRCh37 (hg19) VCF-style: chr6-56500389-T-C.
Other names: c.3085A>G, p.Met1029Val (NM_001144769.5); c.2671A>G, p.Met891Val (NM_001144770.2); c.3184A>G, p.Met1062Val (NM_001374722.1); c.2551A>G, p.Met851Val (NM_001374729.1, NM_001374730.1, NM_001386100.1 and 1 more transcripts); c.3211A>G, p.Met1071Val (NM_001374734.1); c.1573A>G, p.Met525Val (NM_001723.7, NM_015548.5); short protein forms M1071V, M851V, M1062V, M525V, M1029V, M891V.
Identifiers: ClinVar variation 864131 (VCV000864131.10), dbSNP rs141539535, ClinGen allele CA3871222.

ClinVar aggregate classification (germline): Uncertain significance. Review status: criteria provided, multiple submitters, no conflicts (2 of 4 stars). 2 submissions from 2 submitters: Uncertain significance (2). Last evaluated 2022-09-01.

Conditions:
Inborn genetic diseases. Identifiers: MedGen C0950123, MeSH D030342.
Hereditary sensory and autonomic neuropathy type 6. Also called: HSAN VI; Neuropathy, hereditary sensory and autonomic, type VI. Identifiers: Orphanet 314381, MedGen C3539003, MONDO:0013839, OMIM 614653.
Epidermolysis bullosa simplex 3, localized or generalized intermediate, with BP230 deficiency (EBS3). Also called: Epidermolysis bullosa simplex, autosomal recessive 2; Epidermolysis bullosa simplex due to BP230 deficiency. Identifiers: Orphanet 412181, MedGen C3809470, MONDO:0014180, OMIM 615425.

Allele frequency attached by ClinVar (database versions not stated): gnomAD exomes 0.00002 and 0.00004; TOPMed 0.00002; ExAC 0.00003; gnomAD 0.00005 and 0.00006; ESP Exome Variant Server 0.00008.

Submissions (2):

Labcorp Genetics (formerly Invitae), Labcorp
Classification: Uncertain significance for Epidermolysis bullosa simplex 3, localized or generalized intermediate, with BP230 deficiency; Hereditary sensory and autonomic neuropathy type 6. Last evaluated: 2022-09-01. Review status: criteria provided, single submitter. Criteria: Invitae Variant Classification Sherloc (09022015). Collection method: clinical testing. Allele origin: germline.
Comment: This sequence change replaces methionine, which is neutral and non-polar, with valine, which is neutral and non-polar, at codon 525 of the DST protein (p.Met525Val). This variant is present in population databases (rs141539535, gnomAD 0.03%). This variant has not been reported in the literature in individuals affected with DST-related conditions. ClinVar contains an entry for this variant (Variation ID: 864131). Algorithms developed to predict the effect of missense changes on protein structure and function are either unavailable or do not agree on the potential impact of this missense change (SIFT: "Deleterious"; PolyPhen-2: "Possibly Damaging"; Align-GVGD: "Class C15"). In summary, the available evidence is currently insufficient to determine the role of this variant in disease. Therefore, it has been classified as a Variant of Uncertain Significance.

Ambry Genetics
Classification: Uncertain significance for Inborn genetic diseases. Last evaluated: 2021-04-29. Review status: criteria provided, single submitter. Criteria: Ambry Variant Classification Scheme 2023. Collection method: clinical testing. Allele origin: germline.
Comment: The p.M1029V variant (also known as c.3085A>G), located in coding exon 23 of the DST gene, results from an A to G substitution at nucleotide position 3085. The methionine at codon 1029 is replaced by valine, an amino acid with highly similar properties. This amino acid position is well conserved in available vertebrate species. In addition, the in silico prediction for this alteration is inconclusive. Since supporting evidence is limited at this time, the clinical significance of this alteration remains unclear.